The following is an entry in ClinVar:

NM_001127208.3(TET2):c.3406G>A (p.Val1136Ile)

Genes: TET2 (tet methylcytosine dioxygenase 2; plus strand), TET2-AS1 (TET2 antisense RNA 1; minus strand). Cytogenetic location: 4q24.
Variant type: single nucleotide variant.
Coding change: c.3406G>A on transcript NM_001127208.3 (MANE Select); coding-DNA position 3406, G replaced by A.
Protein change: p.Val1136Ile; replaces valine 1136 with isoleucine.
Molecular consequence: missense variant.
Genome position (GRCh38, 1-based): chr4:105,237,348, G>A. VCF-style: chr4-105237348-G-A. GRCh37 (hg19) VCF-style: chr4-106158505-G-A.
Other names: c.3406G>A, p.Val1136Ile (NM_017628.4); short protein forms V1136I.
Identifiers: ClinVar variation 3967567 (VCV003967567.1).

ClinVar aggregate classification (germline): Uncertain significance (1 of 4 stars; one submission).

gnomAD v4.1: 1 of 1,614,094 alleles (0.000062%); highest among the groups gnomAD compares: Non-Finnish European, 0.000085%; no homozygotes.

Submission:

Ambry Genetics
Classification: Uncertain significance. Last evaluated: 2025-04-17. Review status: criteria provided, single submitter. Criteria: Ambry Variant Classification Scheme 2023. Collection method: clinical testing. Allele origin: germline.
Comment: The p.V1136I variant (also known as c.3406G>A), located in coding exon 1 of the TET2 gene, results from a G to A substitution at nucleotide position 3406. The valine at codon 1136 is replaced by isoleucine, an amino acid with highly similar properties. This amino acid position is conserved. In addition, this alteration is predicted to be tolerated by in silico analysis. Based on the available evidence, the clinical significance of this variant remains unclear.